The following is an entry in ClinVar:

ClinVar aggregate classification (germline): other (0 of 4 stars; one submission).

Conditions:
Familial colorectal cancer. Identifiers: MedGen CN280943, MONDO:0023113. Disease mechanism: loss of function.

Submission:

Systems Biology Platform Zhejiang California International NanoSystems Institute
Classification: other for Familial colorectal cancer. Review status: no assertion criteria provided. Collection method: not provided. Allele origin: unknown.
ClinVar note: Converted during submission from cancer to other.

NM_000038.6(APC):c.1743+1737A>G

Gene: APC (APC regulator of WNT signaling pathway; plus strand). Cytogenetic location: 5q22.2.
Variant type: single nucleotide variant.
Coding change: c.1743+1737A>G on transcript NM_000038.6 (MANE Select); 1737 bases into the intron after coding-DNA position 1743, A replaced by G.
Molecular consequence: intron variant.
Genome position (GRCh38, 1-based): chr5:112,830,709, A>G. VCF-style: chr5-112830709-A-G. GRCh37 (hg19) VCF-style: chr5-112166406-A-G.
Other names: c.1743+1737A>G (NM_001354895.2, NM_001127510.3); c.1773+1737A>G (NM_001354897.2); c.1470+1737A>G (NM_001354902.2); c.1689+1737A>G (NM_001127511.3); c.1668+1737A>G (NM_001354898.2); c.1365+1737A>G (NM_001354904.2); c.894+1737A>G (NM_001354906.2); c.1797+1737A>G (NM_001354896.2); and 5 more.
Identifiers: ClinVar variation 83177 (VCV000083177.2), dbSNP rs74417023, ClinGen allele CA005551.